The following is an entry in ClinVar:

ClinVar aggregate classification (germline): Pathogenic (1 of 4 stars; one submission).

Conditions:
Primary ciliary dyskinesia 23 (CILD23). Also called: CILIARY DYSKINESIA, PRIMARY, 23, WITH OR WITHOUT SITUS INVERSUS. Identifiers: Orphanet 244, MedGen C3809548, MONDO:0014193, OMIM 615451.

Allele frequency attached by ClinVar (database versions not stated): ExAC 0.00001; gnomAD exomes 0.00001; gnomAD 0.00002; TOPMed 0.00005.
gnomAD v4.1: 13 of 1,614,056 alleles (0.00081%); highest among the groups gnomAD compares: African/African-American, 0.0093%; no homozygotes.

Submission:

Labcorp Genetics (formerly Invitae), Labcorp
Classification: Pathogenic for Primary ciliary dyskinesia 23. Last evaluated: 2025-10-10. Review status: criteria provided, single submitter. Criteria: Invitae Variant Classification Sherloc (09022015). Collection method: clinical testing. Allele origin: germline.
Comment: This sequence change creates a premature translational stop signal (p.Glu33*) in the ARMC4 gene. It is expected to result in an absent or disrupted protein product. Loss-of-function variants in ARMC4 are known to be pathogenic (PMID: 23849778). This variant is present in population databases (rs752348839, gnomAD 0.007%). This premature translational stop signal has been observed in individual(s) with clinical features of primary ciliary dyskinesia (PMID: 31213628). ClinVar contains an entry for this variant (Variation ID: 1681404). For these reasons, this variant has been classified as Pathogenic.

Literature cited by the submitters: PubMed 23849778; PubMed 31213628.

NM_018076.5(ODAD2):c.97G>T (p.Glu33Ter)

Genes: ODAD2 (outer dynein arm docking complex subunit 2; minus strand), LOC126860891 (CDK7 strongly-dependent group 2 enhancer GRCh37_chr10:28283413-28284612; plus strand). Cytogenetic location: 10p12.1.
Variant type: single nucleotide variant.
Coding change: c.97G>T on transcript NM_018076.5 (MANE Select); coding-DNA position 97, G replaced by T.
Protein change: p.Glu33Ter; replaces glutamic acid 33 with a stop codon.
Molecular consequence: nonsense.
Genome position (GRCh38, 1-based): chr10:27,995,046, C>A on the plus strand (G>T on the coding strand, the complement: ODAD2 is on the minus strand). VCF-style: chr10-27995046-C-A. GRCh37 (hg19) VCF-style: chr10-28283975-C-A.
Other names: c.97G>T, p.Glu33Ter (NM_001290020.2); short protein forms E33*.
Identifiers: ClinVar variation 1681404 (VCV001681404.8), dbSNP rs752348839, ClinGen allele CA5453903.